The following is an entry in ClinVar:

NM_000059.4(BRCA2):c.8646A>T (p.Lys2882Asn)

Gene: BRCA2 (BRCA2 DNA repair associated; plus strand). Cytogenetic location: 13q13.1.
Variant type: single nucleotide variant.
Coding change: c.8646A>T on transcript NM_000059.4 (MANE Select); coding-DNA position 8646, A replaced by T.
Protein change: p.Lys2882Asn; replaces lysine 2882 with asparagine.
Molecular consequence: missense variant.
Genome position (GRCh38, 1-based): chr13:32,376,683, A>T. VCF-style: chr13-32376683-A-T. GRCh37 (hg19) VCF-style: chr13-32950820-A-T.
Other names: short protein forms K2882N.
Identifiers: ClinVar variation 220790 (VCV000220790.13), dbSNP rs864622658, ClinGen allele CA348983.

ClinVar aggregate classification (germline): Conflicting classifications of pathogenicity. Review status: criteria provided, conflicting classifications (1 of 4 stars). 2 submissions from 2 submitters: Uncertain significance (1); Benign (1). Last evaluated 2025-05-19.

Conditions:
Hereditary cancer-predisposing syndrome. Also called: Hereditary neoplastic syndrome; Tumor predisposition; Hereditary Cancer Syndrome; Neoplastic Syndromes, Hereditary. Identifiers: Orphanet 140162, MedGen C0027672, MeSH D009386, MONDO:0015356.
Hereditary breast ovarian cancer syndrome. Also called: BRCA1- and BRCA2-Associated Hereditary Breast and Ovarian Cancer; Hereditary breast and ovarian cancer syndrome (HBOC); Hereditary breast and/or ovarian cancer syndrome; Hereditary breast and ovarian cancer syndrome; Hereditary breast and ovarian cancer; Breast and ovarian cancer. Identifiers: Orphanet 145, MedGen C0677776, MeSH D061325, MONDO:0003582. Disease mechanism: loss of function.

Submissions (2):

Ambry Genetics
Classification: Benign for Hereditary cancer-predisposing syndrome. Last evaluated: 2025-05-19. Review status: criteria provided, single submitter. Criteria: Ambry Variant Classification Scheme 2023. Collection method: clinical testing. Allele origin: germline.

Labcorp Genetics (formerly Invitae), Labcorp
Classification: Uncertain significance for Hereditary breast ovarian cancer syndrome. Last evaluated: 2020-05-20. Review status: criteria provided, single submitter. Criteria: Invitae Variant Classification Sherloc (09022015). Collection method: clinical testing. Allele origin: germline.
Comment: In summary, the available evidence is currently insufficient to determine the role of this variant in disease. Therefore, it has been classified as a Variant of Uncertain Significance. Algorithms developed to predict the effect of missense changes on protein structure and function (SIFT, PolyPhen-2, Align-GVGD) all suggest that this variant is likely to be tolerated, but these predictions have not been confirmed by published functional studies and their clinical significance is uncertain. This variant has not been reported in the literature in individuals with BRCA2-related conditions. ClinVar contains an entry for this variant (Variation ID: 220790). This variant is not present in population databases (ExAC no frequency). This sequence change replaces lysine with asparagine at codon 2882 of the BRCA2 protein (p.Lys2882Asn). The lysine residue is weakly conserved and there is a moderate physicochemical difference between lysine and asparagine.